The following is an entry in ClinVar:

ClinVar aggregate classification (germline): Uncertain significance (1 of 4 stars; one submission).

Submission:

Labcorp Genetics (formerly Invitae), Labcorp
Classification: Uncertain significance. Last evaluated: 2024-06-19. Review status: criteria provided, single submitter. Criteria: Invitae Variant Classification Sherloc (09022015). Collection method: clinical testing. Allele origin: germline.
Comment: This variant, c.133_150dup, results in the insertion of 6 amino acid(s) of the FOXA2 protein (p.Gly45_Met50dup), but otherwise preserves the integrity of the reading frame. This variant is not present in population databases (gnomAD no frequency). This variant has not been reported in the literature in individuals affected with FOXA2-related conditions. In summary, the available evidence is currently insufficient to determine the role of this variant in disease. Therefore, it has been classified as a Variant of Uncertain Significance.

NM_021784.5(FOXA2):c.133_150dup (p.Met50_Ser51insGlyMetAsnThrTyrMet)

Gene: FOXA2 (forkhead box A2; minus strand). Cytogenetic location: 20p11.21.
Variant type: Duplication.
Coding change: c.133_150dup on transcript NM_021784.5 (MANE Select); coding-DNA positions 133 to 150, 18 bases duplicated (GGCATGAACACGTACATG).
Protein change: p.Met50_Ser51insGlyMetAsnThrTyrMet.
Genome position (GRCh38, 1-based): chr20:22,583,092-22,583,109, CATGTACGTGTTCATGCC duplicated on the plus strand (GGCATGAACACGTACATG on the coding strand, the reverse complement: FOXA2 is on the minus strand). VCF-style (leftmost placement, unchanged base first): chr20-22583091-T-TCATGTACGTGTTCATGCC. GRCh37 (hg19) VCF-style: chr20-22563729-T-TCATGTACGTGTTCATGCC.
Other names: c.115_132dup, p.Met44_Ser45insGlyMetAsnThrTyrMet (NM_153675.3).
Identifiers: ClinVar variation 3657010 (VCV003657010.2).